The following is an entry in ClinVar:

NM_001379210.1(SLC25A26):c.*3C>A

Gene: SLC25A26 (solute carrier family 25 member 26; plus strand). Cytogenetic location: 3p14.1.
Variant type: single nucleotide variant.
Coding change: c.*3C>A on transcript NM_001379210.1 (MANE Select); 3 bases downstream of the stop codon, C replaced by A.
Molecular consequence: 3 prime UTR variant. On other transcripts: non-coding transcript variant (1).
Genome position (GRCh38, 1-based): chr3:66,377,810, C>A. VCF-style: chr3-66377810-C-A. GRCh37 (hg19) VCF-style: chr3-66428234-C-A.
Other names: c.*3C>A (NM_001164796.1, NM_001350993.1, NM_173471.4 and 1 more transcripts).
Identifiers: ClinVar variation 1288427 (VCV001288427.5), dbSNP rs116677829, ClinGen allele CA2483916.

ClinVar aggregate classification (germline): Benign. Review status: criteria provided, multiple submitters, no conflicts (2 of 4 stars). 4 submissions from 4 submitters: Benign (4). Last evaluated 2023-12-07.

Conditions:
Combined oxidative phosphorylation deficiency 28 (COXPD28). Identifiers: Orphanet 466784, MedGen C5569081, MONDO:0014775, OMIM 616794.

Allele frequency attached by ClinVar (database versions not stated): 1000 Genomes Project 30x 0.01077; gnomAD 0.02068 and 0.02088; 1000 Genomes Project 0.00978; TOPMed 0.02009; ESP Exome Variant Server 0.02414.
gnomAD v4.1: 44,863 of 1,607,446 alleles (2.8%); highest among the groups gnomAD compares: Non-Finnish European, 3.3%; 743 homozygotes.

Submissions (4):

Mayo Clinic Laboratories, Mayo Clinic
Classification: Benign. Last evaluated: 2023-12-07. Review status: criteria provided, single submitter. Criteria: ACMG Guidelines, 2015. Collection method: clinical testing. Allele origin: germline. Observed: 8 variant alleles.
Comment: BA1, BP4, BP7

Genome-Nilou Lab
Classification: Benign for Combined oxidative phosphorylation deficiency 28. Last evaluated: 2021-07-15. Review status: criteria provided, single submitter. Criteria: ACMG Guidelines, 2015. Collection method: clinical testing. Allele origin: germline. Affected: no.

GeneDx
Classification: Benign. Last evaluated: 2020-06-24. Review status: criteria provided, single submitter. Criteria: GeneDx Variant Classification Process June 2021. Collection method: clinical testing. Allele origin: germline. Affected: yes.

Breakthrough Genomics
Classification: Benign. Review status: criteria provided, single submitter. Criteria: ACMG Guidelines, 2015. Collection method: not provided. Allele origin: germline. Inheritance: Autosomal recessive inheritance. Affected: yes.